The following is an entry in ClinVar:

NM_000245.4(MET):c.2109A>T (p.Ser703=)

Gene: MET (MET proto-oncogene, receptor tyrosine kinase; plus strand). Cytogenetic location: 7q31.2.
Variant type: single nucleotide variant.
Coding change: c.2109A>T on transcript NM_000245.4 (MANE Select); coding-DNA position 2109, A replaced by T.
Protein change: p.Ser703=; no amino-acid change (serine 703 retained).
Molecular consequence: synonymous variant.
Genome position (GRCh38, 1-based): chr7:116,758,465, A>T. VCF-style: chr7-116758465-A-T. GRCh37 (hg19) VCF-style: chr7-116398519-A-T.
Other names: c.2109A>T, p.Ser703= (NM_001127500.3, NM_001324401.3); c.819A>T, p.Ser273= (NM_001324402.2).
Identifiers: ClinVar variation 4648258 (VCV004648258.1).

ClinVar aggregate classification (germline): Uncertain significance (1 of 4 stars; one submission).

Conditions:
Hereditary cancer-predisposing syndrome. Also called: Neoplastic Syndromes, Hereditary; Tumor predisposition; Hereditary Cancer Syndrome; Hereditary neoplastic syndrome. Identifiers: Orphanet 140162, MedGen C0027672, MeSH D009386, MONDO:0015356.

Submission:

Ambry Genetics
Classification: Uncertain significance for Hereditary cancer-predisposing syndrome. Last evaluated: 2025-12-04. Review status: criteria provided, single submitter. Criteria: Ambry Variant Classification Scheme 2023. Collection method: clinical testing. Allele origin: germline.
Comment: The c.2109A>T variant (also known as p.S703S), located in coding exon 8 of the MET gene, results from an A to T substitution at nucleotide position 2109. This nucleotide substitution does not change the amino acid at codon 703. This nucleotide position is not well conserved in available vertebrate species. In silico splice site analysis predicts that this alteration will result in the creation or strengthening of a novel splice acceptor site. Based on the available evidence, the clinical significance of this variant remains unclear.